The following is an entry in ClinVar:

ClinVar aggregate classification (germline): Uncertain significance. Review status: criteria provided, multiple submitters, no conflicts (2 of 4 stars). 2 submissions from 2 submitters: Uncertain significance (2). Last evaluated 2025-06-07.

Conditions:
Inborn genetic diseases. Identifiers: MedGen C0950123, MeSH D030342.

Allele frequency attached by ClinVar (database versions not stated): TOPMed below 0.00001; gnomAD 0.00001.
gnomAD v4.1: 2 of 1,613,370 alleles (0.00012%); highest among the groups gnomAD compares: Admixed American, 0.0033%; no homozygotes.

Submissions (2):

Ambry Genetics
Classification: Uncertain significance for Inborn genetic diseases. Last evaluated: 2025-06-07. Review status: criteria provided, single submitter. Criteria: Ambry Variant Classification Scheme 2023. Collection method: clinical testing. Allele origin: germline.

Labcorp Genetics (formerly Invitae), Labcorp
Classification: Uncertain significance. Last evaluated: 2024-06-03. Review status: criteria provided, single submitter. Criteria: Invitae Variant Classification Sherloc (09022015). Collection method: clinical testing. Allele origin: germline.
Comment: This sequence change replaces proline, which is neutral and non-polar, with alanine, which is neutral and non-polar, at codon 124 of the PROM1 protein (p.Pro124Ala). This variant is present in population databases (rs766545681, gnomAD 0.006%). This variant has not been reported in the literature in individuals affected with PROM1-related conditions. ClinVar contains an entry for this variant (Variation ID: 1393450). Advanced modeling of protein sequence and biophysical properties (such as structural, functional, and spatial information, amino acid conservation, physicochemical variation, residue mobility, and thermodynamic stability) performed at Invitae indicates that this missense variant is expected to disrupt PROM1 protein function with a positive predictive value of 80%. In summary, the available evidence is currently insufficient to determine the role of this variant in disease. Therefore, it has been classified as a Variant of Uncertain Significance.

NM_006017.3(PROM1):c.370C>G (p.Pro124Ala)

Gene: PROM1 (prominin 1; minus strand). Cytogenetic location: 4p15.32.
Variant type: single nucleotide variant.
Coding change: c.370C>G on transcript NM_006017.3 (MANE Select); coding-DNA position 370, C replaced by G.
Protein change: p.Pro124Ala; replaces proline 124 with alanine.
Molecular consequence: missense variant.
Genome position (GRCh38, 1-based): chr4:16,033,443, G>C on the plus strand (C>G on the coding strand, the complement: PROM1 is on the minus strand). VCF-style: chr4-16033443-G-C. GRCh37 (hg19) VCF-style: chr4-16035066-G-C.
Other names: c.343C>G, p.Pro115Ala (NM_001145847.2, NM_001145848.2, NM_001145851.2 and 4 more transcripts); c.370C>G, p.Pro124Ala (NM_001145849.2, NM_001145850.2); c.370C>G (NM_006017.2); short protein forms P124A, P115A.
Identifiers: ClinVar variation 1393450 (VCV001393450.7), dbSNP rs766545681, ClinGen allele CA2867084.